The following is an entry in ClinVar:

NM_001199138.2(NLRC4):c.2782+81C>T

Gene: NLRC4 (NLR family CARD domain containing 4; minus strand). Cytogenetic location: 2p22.3.
Variant type: single nucleotide variant.
Coding change: c.2782+81C>T on transcript NM_001199138.2 (MANE Select); 81 bases into the intron after coding-DNA position 2782, C replaced by T.
Molecular consequence: intron variant.
Genome position (GRCh38, 1-based): chr2:32,235,320, G>A on the plus strand (C>T on the coding strand, the complement: NLRC4 is on the minus strand). VCF-style: chr2-32235320-G-A. GRCh37 (hg19) VCF-style: chr2-32460389-G-A.
Other names: c.787+81C>T (NM_001302504.1); c.2782+81C>T (NM_021209.4, NM_001199139.1).
Identifiers: ClinVar variation 103083 (VCV000103083.2), dbSNP rs199476298, ClinGen allele CA230092.

ClinVar aggregate classification (germline): not provided (0 of 4 stars; one submission).

Submission:

Human Evolutionary Genetics, Institut Pasteur
No classification provided. Review status: no classification provided. Collection method: not provided. Allele origin: germline.
ClinVar note: Converted during submission from untested to not provided.